The following is an entry in ClinVar:

NM_020320.5(RARS2):c.963_964del (p.Tyr322fs)

Gene: RARS2 (arginyl-tRNA synthetase 2, mitochondrial; minus strand). Cytogenetic location: 6q15.
Variant type: Microsatellite.
Coding change: c.963_964del on transcript NM_020320.5 (MANE Select); coding-DNA positions 963 to 964, 2 bases deleted (CT; older notation c.963_964delCT).
Protein change: p.Tyr322fs; shifts the reading frame from tyrosine 322.
Molecular consequence: frameshift variant. On other transcripts: non-coding transcript variant (23).
Genome position (GRCh38, 1-based): chr6:87,524,567-87,524,568, AG deleted on the plus strand (CT on the coding strand, the reverse complement: RARS2 is on the minus strand); deleting any 2 consecutive bases within chr6:87,524,567-87,524,573 gives the same sequence; the c. name uses the placement nearest the transcript's 3' end. VCF-style (leftmost placement, unchanged base first): chr6-87524566-TAG-T. GRCh37 (hg19) VCF-style: chr6-88234284-TAG-T.
Other names: c.963_964del (NM_020320.3); c.963_964delCT (NM_020320.4, NM_020320.5); c.438_439del, p.Tyr147fs (NM_001318785.2, NM_001350506.2, NM_001350507.2 and 4 more transcripts); c.963_964del, p.Tyr322fs (NM_001350505.2); short protein forms Y322fs, Y147fs.
Identifiers: ClinVar variation 641283 (VCV000641283.48), dbSNP rs773838753, ClinGen allele CA3916455.

ClinVar aggregate classification (germline): Pathogenic/Likely pathogenic. Review status: criteria provided, multiple submitters, no conflicts (2 of 4 stars). 7 submissions from 7 submitters: Pathogenic (3); Likely pathogenic (4). Last evaluated 2025-03-17.

Conditions:
Pontocerebellar hypoplasia type 6 (PCH6). Identifiers: Orphanet 166073, MedGen C1969084, MONDO:0012683, OMIM 611523.

Submissions (7):

Natera, Inc.
Classification: Likely pathogenic for Pontocerebellar hypoplasia, type 6. Last evaluated: 2025-03-17. Review status: criteria provided, single submitter. Criteria: Natera Variant Classification Schema (03/2026). Collection method: clinical testing. Allele origin: germline.
Comment: The c.963_964delCT variant in RARS2 is a frameshift variant predicted to shift the reading frame beginning at codon 322 and leads to a stop codon 16 codons downstream. This variant is expected to result in nonsense mediated decay, truncation, or a dysfunctional protein product. This variant is rare in the general population with a frequency below the threshold expected for the associated phenotype(s). Given the available evidence, this variant is classified as Likely Pathogenic.

First Genomix Gene Laboratory, Genetic Diagnostics Department
Classification: Pathogenic for Pontocerebellar hypoplasia type 6. Last evaluated: 2025-01-03. Review status: criteria provided, single submitter. Criteria: ACMG Guidelines, 2015. Collection method: clinical testing. Allele origin: germline. Inheritance: Autosomal recessive inheritance. Affected: no. Observed: 1 variant allele.

Fulgent Genetics
Classification: Likely pathogenic for Pontocerebellar hypoplasia type 6. Last evaluated: 2024-06-19. Review status: criteria provided, single submitter. Criteria: ACMG Guidelines, 2015. Collection method: clinical testing. Allele origin: germline.

Baylor Genetics
Classification: Likely pathogenic for Pontocerebellar hypoplasia type 6. Last evaluated: 2024-03-24. Review status: criteria provided, single submitter. Criteria: ACMG Guidelines, 2015. Collection method: clinical testing. Allele origin: unknown.

Labcorp Genetics (formerly Invitae), Labcorp
Classification: Pathogenic. Last evaluated: 2024-02-12. Review status: criteria provided, single submitter. Criteria: Invitae Variant Classification Sherloc (09022015). Collection method: clinical testing. Allele origin: germline.
Comment: This sequence change creates a premature translational stop signal (p.Tyr322Cysfs*16) in the RARS2 gene. It is expected to result in an absent or disrupted protein product. Loss-of-function variants in RARS2 are known to be pathogenic (PMID: 17847012, 22569581, 26083569). This variant is present in population databases (rs773838753, gnomAD 0.005%). This variant has not been reported in the literature in individuals affected with RARS2-related conditions. ClinVar contains an entry for this variant (Variation ID: 641283). For these reasons, this variant has been classified as Pathogenic.

CeGaT Center for Human Genetics Tuebingen
Classification: Pathogenic. Last evaluated: 2022-02-01. Review status: criteria provided, single submitter. Criteria: CeGaT Center For Human Genetics Tuebingen Variant Classification Criteria Version 2. Collection method: clinical testing. Allele origin: germline. Affected: yes. Observed: 1 variant allele.

Revvity Omics, Revvity
Classification: Likely pathogenic for Pontocerebellar hypoplasia type 6. Last evaluated: 2021-12-29. Review status: criteria provided, single submitter. Criteria: ACMG Guidelines, 2015. Collection method: clinical testing. Allele origin: germline.

Literature cited by the submitters: PubMed 17847012 (cited by Labcorp Genetics (formerly Invitae), Labcorp); PubMed 22569581 (cited by Labcorp Genetics (formerly Invitae), Labcorp); PubMed 26083569 (cited by Labcorp Genetics (formerly Invitae), Labcorp).